The following is an entry in ClinVar:

NM_003072.5(SMARCA4):c.4260C>T (p.Gly1420=)

Gene: SMARCA4 (SWI/SNF related BAF chromatin remodeling complex subunit ATPase 4; plus strand). Cytogenetic location: 19p13.2.
Variant type: single nucleotide variant.
Coding change: c.4260C>T on transcript NM_003072.5 (MANE Select); coding-DNA position 4260, C replaced by T.
Protein change: p.Gly1420=; no amino-acid change (glycine 1420 retained).
Molecular consequence: synonymous variant. On other transcripts: non-coding transcript variant (1).
Genome position (GRCh38, 1-based): chr19:11,041,396, C>T. VCF-style: chr19-11041396-C-T. GRCh37 (hg19) VCF-style: chr19-11152072-C-T.
Other names: c.4260C>T, p.Gly1420= (NM_001128844.3); c.4170C>T, p.Gly1390= (NM_001128845.2, NM_001128846.2); c.4161C>T, p.Gly1387= (NM_001128847.4, NM_001128848.2, NM_001374457.1); c.4356C>T, p.Gly1452= (NM_001128849.3, NM_001387283.1).
Identifiers: ClinVar variation 1528243 (VCV001528243.11), dbSNP rs766540716, ClinGen allele CA305294352.
Genomic context (GRCh38, chr19:11,041,396, plus strand): 5'-CGAAGAGGAGGTCCGGCAGAAGAAATCATCACGGAAGCGCAAGCGAGACAGCGACGCCGG[C>T]TCCTCCACCCCGACCACCAGCACCCGCAGCCGCGACAAGGACGACGAGAGCAAGAAGCAG-3'
Protein context (NP_003063.2, residues 1410-1430): SRKRKRDSDA[Gly1420=]SSTPTTSTRS

ClinVar aggregate classification (germline): Benign/Likely benign. Review status: criteria provided, multiple submitters, no conflicts (2 of 4 stars). 3 submissions from 3 submitters: Benign (1); Likely benign (2). Last evaluated 2026-07-16.

Conditions:
Rhabdoid tumor predisposition syndrome 2 (RTPS2). Identifiers: Orphanet 231108, Orphanet 69077, MedGen C2750074, MONDO:0013224, OMIM 613325.
Hereditary cancer-predisposing syndrome. Also called: Tumor predisposition; Hereditary Cancer Syndrome; Hereditary neoplastic syndrome; Neoplastic Syndromes, Hereditary. Identifiers: Orphanet 140162, MedGen C0027672, MeSH D009386, MONDO:0015356.

Allele frequency attached by ClinVar (database versions not stated): TOPMed below 0.00001; gnomAD exomes 0.00001.
gnomAD v4.1: 11 of 1,612,596 alleles (0.00068%); highest among the groups gnomAD compares: Non-Finnish European, 0.00093%; no homozygotes.

Submissions (3):

Myriad Genetics, Inc.
Classification: Benign for Rhabdoid tumor predisposition syndrome 2. Last evaluated: 2026-07-16. Review status: criteria provided, single submitter. Criteria: Myriad Autosomal Dominant, Autosomal Recessive and X-Linked Classification Criteria (2023). Collection method: clinical testing. Allele origin: unknown.
Comment: This variant is considered benign. This variant is a silent/synonymous amino acid change and it is not expected to impact splicing.

Labcorp Genetics (formerly Invitae), Labcorp
Classification: Likely benign for Rhabdoid tumor predisposition syndrome 2. Last evaluated: 2024-12-02. Review status: criteria provided, single submitter. Criteria: Invitae Variant Classification Sherloc (09022015). Collection method: clinical testing. Allele origin: germline.

Ambry Genetics
Classification: Likely benign for Hereditary cancer-predisposing syndrome. Last evaluated: 2022-04-05. Review status: criteria provided, single submitter. Criteria: Ambry Variant Classification Scheme 2023. Collection method: clinical testing. Allele origin: germline.